The following is an entry in ClinVar:

ClinVar aggregate classification (germline): Uncertain significance (1 of 4 stars; one submission).

Allele frequency attached by ClinVar (database versions not stated): gnomAD 0.00001 and 0.00002; gnomAD exomes 0.00001; ExAC 0.00002; TOPMed 0.00002; ESP Exome Variant Server 0.00008; 1000 Genomes Project 30x 0.00016; 1000 Genomes Project 0.00020.
gnomAD v4.1: 13 of 1,611,180 alleles (0.00081%); highest among the groups gnomAD compares: African/African-American, 0.004%; no homozygotes.

Submission:

GeneDx
Classification: Uncertain significance. Last evaluated: 2025-03-20. Review status: criteria provided, single submitter. Criteria: GeneDx Variant Classification Process June 2021. Collection method: clinical testing. Allele origin: germline. Affected: yes.
Comment: Published functional studies demonstrate that R376W does not affect protein expression or function (PMID: 34494111); In silico analysis supports that this missense variant has a deleterious effect on protein structure/function; This variant is associated with the following publications: (PMID: 29375828, 34494111)

NM_002609.4(PDGFRB):c.1126C>T (p.Arg376Trp)

Gene: PDGFRB (platelet derived growth factor receptor beta; minus strand). Cytogenetic location: 5q32.
Variant type: single nucleotide variant.
Coding change: c.1126C>T on transcript NM_002609.4 (MANE Select); coding-DNA position 1126, C replaced by T.
Protein change: p.Arg376Trp; replaces arginine 376 with tryptophan.
Molecular consequence: missense variant.
Genome position (GRCh38, 1-based): chr5:150,132,751, G>A on the plus strand (C>T on the coding strand, the complement: PDGFRB is on the minus strand). VCF-style: chr5-150132751-G-A. GRCh37 (hg19) VCF-style: chr5-149512314-G-A.
Other names: c.934C>T, p.Arg312Trp (NM_001355016.2); c.643C>T, p.Arg215Trp (NM_001355017.2); short protein forms R215W, R312W, R376W.
Identifiers: ClinVar variation 1202337 (VCV001202337.4), dbSNP rs142621427, ClinGen allele CA3508094.